The following is an entry in ClinVar:

NM_004360.5(CDH1):c.1356_1362del (p.His453fs)

Gene: CDH1 (cadherin 1; plus strand). Cytogenetic location: 16q22.1.
Variant type: Deletion.
Coding change: c.1356_1362del on transcript NM_004360.5 (MANE Select); coding-DNA positions 1356 to 1362, 7 bases deleted (ACACGTA; older notation c.1356_1362delACACGTA).
Protein change: p.His453fs; shifts the reading frame from histidine 453.
Molecular consequence: frameshift variant. On other transcripts: 5 prime UTR variant (2).
Genome position (GRCh38, 1-based): chr16:68,815,550-68,815,556, ACACGTA deleted. VCF-style (leftmost placement, unchanged base first): chr16-68815549-TACACGTA-T. GRCh37 (hg19) VCF-style: chr16-68849452-TACACGTA-T.
Other names: c.1173_1179del, p.His392fs (NM_001317184.2); c.-193_-187del (NM_001317185.2); c.-464_-458del (NM_001317186.2); short protein forms H392fs, H453fs.
Identifiers: ClinVar variation 1072773 (VCV001072773.7), dbSNP rs2152134736, ClinGen allele CA2499223663.

ClinVar aggregate classification (germline): Pathogenic (1 of 4 stars; one submission).

Conditions:
Hereditary diffuse gastric adenocarcinoma (HDGC). Also called: DIFFUSE GASTRIC AND LOBULAR BREAST CANCER SYNDROME. Identifiers: Orphanet 26106, MedGen C1708349, MONDO:0007648, OMIM 137215.

Submission:

Labcorp Genetics (formerly Invitae), Labcorp
Classification: Pathogenic for Hereditary diffuse gastric adenocarcinoma. Last evaluated: 2022-09-06. Review status: criteria provided, single submitter. Criteria: Invitae Variant Classification Sherloc (09022015). Collection method: clinical testing. Allele origin: germline.
Comment: For these reasons, this variant has been classified as Pathogenic. ClinVar contains an entry for this variant (Variation ID: 1072773). This variant has not been reported in the literature in individuals affected with CDH1-related conditions. This variant is not present in population databases (gnomAD no frequency). This sequence change creates a premature translational stop signal (p.His453Glnfs*2) in the CDH1 gene. It is expected to result in an absent or disrupted protein product. Loss-of-function variants in CDH1 are known to be pathogenic (PMID: 15235021, 20373070).

Literature cited by the submitters: PubMed 15235021; PubMed 20373070.